The following is an entry in ClinVar:

ClinVar aggregate classification (germline): Uncertain significance (1 of 4 stars; one submission).

gnomAD v4.1: 33 of 1,558,100 alleles (0.0021%); highest among the groups gnomAD compares: Middle Eastern, 0.066%; no homozygotes.

Submission:

Labcorp Genetics (formerly Invitae), Labcorp
Classification: Uncertain significance. Last evaluated: 2022-05-16. Review status: criteria provided, single submitter. Criteria: Invitae Variant Classification Sherloc (09022015). Collection method: clinical testing. Allele origin: germline.
Comment: This sequence change replaces arginine, which is basic and polar, with cysteine, which is neutral and slightly polar, at codon 1268 of the MYO18B protein (p.Arg1268Cys). The frequency data for this variant in the population databases is considered unreliable, as metrics indicate poor data quality at this position in the gnomAD database. This variant has not been reported in the literature in individuals affected with MYO18B-related conditions. Algorithms developed to predict the effect of missense changes on protein structure and function are either unavailable or do not agree on the potential impact of this missense change (SIFT: "Not Available"; PolyPhen-2: "Possibly Damaging"; Align-GVGD: "Not Available"). In summary, the available evidence is currently insufficient to determine the role of this variant in disease. Therefore, it has been classified as a Variant of Uncertain Significance.

NM_032608.7(MYO18B):c.3802C>T (p.Arg1268Cys)

Gene: MYO18B (myosin XVIIIB; plus strand). Cytogenetic location: 22q12.1.
Variant type: single nucleotide variant.
Coding change: c.3802C>T on transcript NM_032608.7 (MANE Select); coding-DNA position 3802, C replaced by T.
Protein change: p.Arg1268Cys; replaces arginine 1268 with cysteine.
Molecular consequence: missense variant.
Genome position (GRCh38, 1-based): chr22:25,851,496, C>T. VCF-style: chr22-25851496-C-T. GRCh37 (hg19) VCF-style: chr22-26247463-C-T.
Other names: c.3805C>T, p.Arg1269Cys (NM_001318245.2); short protein forms R1269C, R1268C.
Identifiers: ClinVar variation 2175808 (VCV002175808.2), dbSNP rs370006917, ClinGen allele CA322777109.